The following is an entry in ClinVar:

ClinVar aggregate classification (germline): Conflicting classifications of pathogenicity. Review status: criteria provided, conflicting classifications (1 of 4 stars). 3 submissions from 3 submitters: Uncertain significance (1); Likely benign (1). 1 of the submissions does not count toward it. Last evaluated 2026-06-01.

Conditions:
MST1R-related disorder. Also called: MST1R-related condition.

Allele frequency attached by ClinVar (database versions not stated): 1000 Genomes Project 30x 0.00016; ExAC 0.00065; TOPMed 0.00097; gnomAD 0.00100; ESP Exome Variant Server 0.00123; gnomAD exomes 0.00167.
gnomAD v4.1: 2,532 of 1,614,236 alleles (0.16%); highest among the groups gnomAD compares: Non-Finnish European, 0.21%; 3 homozygotes.

Submissions (3):

CeGaT Center for Human Genetics Tuebingen
Classification: Likely benign. Last evaluated: 2026-06-01. Review status: criteria provided, single submitter. Criteria: CeGaT Center For Human Genetics Tuebingen Variant Classification Criteria Version 2. Collection method: clinical testing. Allele origin: germline. Affected: yes. Observed: 1 variant allele.
Comment: MST1R: BP4

Ambry Genetics
Classification: Uncertain significance. Last evaluated: 2021-07-14. Review status: criteria provided, single submitter. Criteria: Ambry Variant Classification Scheme 2023. Collection method: clinical testing. Allele origin: germline.

PreventionGenetics, part of Exact Sciences
Classification: Likely benign for MST1R-related condition. Last evaluated: 2020-11-11. Review status: no assertion criteria provided. Collection method: clinical testing. Allele origin: germline. Not counted in ClinVar's aggregate classification.
Comment: This variant is classified as likely benign based on ACMG/AMP sequence variant interpretation guidelines (Richards et al. 2015 PMID: 25741868, with internal and published modifications).

NM_002447.4(MST1R):c.4154G>T (p.Gly1385Val)

Gene: MST1R (macrophage stimulating 1 receptor; minus strand). Cytogenetic location: 3p21.31.
Variant type: single nucleotide variant.
Coding change: c.4154G>T on transcript NM_002447.4 (MANE Select); coding-DNA position 4154, G replaced by T.
Protein change: p.Gly1385Val; replaces glycine 1385 with valine.
Molecular consequence: missense variant. On other transcripts: non-coding transcript variant (1).
Genome position (GRCh38, 1-based): chr3:49,887,356, C>A on the plus strand (G>T on the coding strand, the complement: MST1R is on the minus strand). VCF-style: chr3-49887356-C-A. GRCh37 (hg19) VCF-style: chr3-49924789-C-A.
Other names: c.4154G>T (NM_002447.3); c.4007G>T, p.Gly1336Val (NM_001244937.3); c.3836G>T, p.Gly1279Val (NM_001318913.2); short protein forms G1336V, G1279V, G1385V.
Identifiers: ClinVar variation 2324909 (VCV002324909.6), dbSNP rs137882771, ClinGen allele CA2408356.